The following is an entry in ClinVar:

NM_001351132.2(PEX5):c.1315C>A (p.Leu439Met)

Gene: PEX5 (peroxisomal biogenesis factor 5; plus strand). Cytogenetic location: 12p13.31.
Variant type: single nucleotide variant.
Coding change: c.1315C>A on transcript NM_001351132.2 (MANE Select); coding-DNA position 1315, C replaced by A.
Protein change: p.Leu439Met; replaces leucine 439 with methionine.
Molecular consequence: missense variant.
Genome position (GRCh38, 1-based): chr12:7,208,590, C>A. VCF-style: chr12-7208590-C-A. GRCh37 (hg19) VCF-style: chr12-7361186-C-A.
Other names: c.1291C>A, p.Leu431Met (NM_000319.5); c.1360C>A, p.Leu454Met (NM_001131023.2); c.1204C>A, p.Leu402Met (NM_001131024.2, NM_001351124.3, NM_001351126.2 and 7 more transcripts); c.1315C>A, p.Leu439Met (NM_001131025.2, NM_001131026.2, NM_001300789.3 and 4 more transcripts); c.1249C>A, p.Leu417Met (NM_001351135.3, NM_001351138.2); c.1306C>A, p.Leu436Met (NM_001351136.2); c.1180C>A, p.Leu394Met (NM_001351139.2, NM_001351140.2, NM_001374649.2); short protein forms L394M, L402M, L417M, L431M, L436M, L439M, L454M.
Identifiers: ClinVar variation 1016352 (VCV001016352.8), dbSNP rs756242143, ClinGen allele CA383733557.

ClinVar aggregate classification (germline): Uncertain significance (1 of 4 stars; one submission).

Conditions:
Peroxisome biogenesis disorder 2B (PBD2B). Identifiers: Orphanet 44, MedGen C3550234, MONDO:0008736, OMIM 202370.

Submission:

Labcorp Genetics (formerly Invitae), Labcorp
Classification: Uncertain significance for Peroxisome biogenesis disorder 2B. Last evaluated: 2020-03-31. Review status: criteria provided, single submitter. Criteria: Invitae Variant Classification Sherloc (09022015). Collection method: clinical testing. Allele origin: germline.
Comment: In summary, the available evidence is currently insufficient to determine the role of this variant in disease. Therefore, it has been classified as a Variant of Uncertain Significance. Algorithms developed to predict the effect of missense changes on protein structure and function are either unavailable or do not agree on the potential impact of this missense change (SIFT: "Deleterious"; PolyPhen-2: "Probably Damaging"; Align-GVGD: "Class C0"). This variant has not been reported in the literature in individuals with PEX5-related conditions. This variant is not present in population databases (ExAC no frequency). This sequence change replaces leucine with methionine at codon 439 of the PEX5 protein (p.Leu439Met). The leucine residue is moderately conserved and there is a small physicochemical difference between leucine and methionine.